The following is an entry in ClinVar:

NC_000023.10:g.(32366646_32380904)_(32430031_32456357)dup

Gene: DMD (dystrophin; minus strand). Cytogenetic location: Xp21.1.
Variant type: Duplication.
Identifiers: ClinVar variation 2682451 (VCV002682451.1).

ClinVar aggregate classification (germline): Uncertain significance (1 of 4 stars; one submission).

Submission:

Women's Health and Genetics/Laboratory Corporation of America, LabCorp
Classification: Uncertain significance. Last evaluated: 2023-11-10. Review status: criteria provided, single submitter. Criteria: LabCorp Variant Classification Summary - May 2015. Collection method: clinical testing. Allele origin: germline.
Comment: Variant summary: The variant identified by MLPA or other technology involves the duplication of exons 30-37 in the DMD gene. A presumed nomenclature of c.(4071+1_4072-1)_(5325+1_5326-1)dup has been designated for the purposes of this classification. It has been assumed that this is a tandem duplication in direct orientation (Richardson_GIM_2018, Newman_AJHG_2015). Although exact breakpoints of this duplication are not known, it is expected to result in a large in-frame duplication of 418 amino acids in the DMD gene. The variant was absent in approximately 16,120 control chromosomes (gnomAD, Structural Variants dataset). The available data on variant occurrences in the general population are insufficient to allow any conclusion about variant significance. To our knowledge, no occurrence of exons 30-37 duplication in individuals affected with Dystrophinopathies and no experimental evidence demonstrating its impact on protein function have been reported. One submitter has reported clinical-significance assessments for this variant to ClinVar after 2014 and has classified the variant as uncertain significance. Based on the evidence outlined above, the variant was classified as uncertain significance.